The following is an entry in ClinVar:

NM_000257.4(MYH7):c.5416A>G (p.Lys1806Glu)

Gene: MYH7 (myosin heavy chain 7; minus strand). Cytogenetic location: 14q11.2.
Variant type: single nucleotide variant.
Coding change: c.5416A>G on transcript NM_000257.4 (MANE Select); coding-DNA position 5416, A replaced by G.
Protein change: p.Lys1806Glu; replaces lysine 1806 with glutamic acid.
Molecular consequence: missense variant.
Genome position (GRCh38, 1-based): chr14:23,415,138, T>C on the plus strand (A>G on the coding strand, the complement: MYH7 is on the minus strand). VCF-style: chr14-23415138-T-C. GRCh37 (hg19) VCF-style: chr14-23884347-T-C.
Other names: short protein forms K1806E.
Identifiers: ClinVar variation 1315787 (VCV001315787.2), dbSNP rs1555336161, ClinGen allele CA389035507.

ClinVar aggregate classification (germline): Uncertain significance (1 of 4 stars; one submission).

Submission:

GeneDx
Classification: Uncertain significance. Last evaluated: 2020-08-14. Review status: criteria provided, single submitter. Criteria: GeneDx Variant Classification Process June 2021. Collection method: clinical testing. Allele origin: germline. Affected: yes.
Comment: Not observed in large population cohorts (Lek et al., 2016); In silico analysis, which includes protein predictors and evolutionary conservation, supports that this variant does not alter protein structure/function; Has not been previously published as pathogenic or benign to our knowledge